The following is an entry in ClinVar:

ClinVar aggregate classification (germline): Likely benign (0 of 4 stars; one submission).

Conditions:
TRPM3-related disorder. Also called: TRPM3-related condition.

Allele frequency attached by ClinVar (database versions not stated): 1000 Genomes Project 30x 0.00016; 1000 Genomes Project 0.00020; ExAC 0.00065; gnomAD 0.00066; TOPMed 0.00072; ESP Exome Variant Server 0.00085.
gnomAD v4.1: 1,190 of 1,441,100 alleles (0.083%); highest among the groups gnomAD compares: Non-Finnish European, 0.1%; 1 homozygote.

Submission:

PreventionGenetics, part of Exact Sciences
Classification: Likely benign for TRPM3-related condition. Last evaluated: 2019-06-18. Review status: no assertion criteria provided. Collection method: clinical testing. Allele origin: germline.
Comment: This variant is classified as likely benign based on ACMG/AMP sequence variant interpretation guidelines (Richards et al. 2015 PMID: 25741868, with internal and published modifications).

NM_001366145.2(TRPM3):c.3708-7C>T

Genes: KLF9-DT (KLF9 divergent transcript; plus strand), TRPM3 (transient receptor potential cation channel subfamily M member 3; minus strand). Cytogenetic location: 9q21.12.
Variant type: single nucleotide variant.
Coding change: c.3708-7C>T on transcript NM_001366145.2 (MANE Select); 7 bases into the intron before coding-DNA position 3708, C replaced by T.
Molecular consequence: intron variant.
Genome position (GRCh38, 1-based): chr9:70,537,412, G>A on the plus strand (C>T on the coding strand, the complement: TRPM3 is on the minus strand). VCF-style: chr9-70537412-G-A. GRCh37 (hg19) VCF-style: chr9-73152328-G-A.
Other names: c.3678-7C>T (NM_001366143.2, NM_001366141.2, NM_001366149.2); c.3714-7C>T (NM_001366142.2); c.3642-7C>T (NM_001366150.2); c.3672-7C>T (NM_001366151.2, NM_001007471.4); c.3708-7C>T (NM_001366146.2); c.3753-7C>T (NM_001366148.2); c.3783-7C>T (NM_001366152.2, NM_001366147.2); c.3183-7C>T (NM_206944.5); and 5 more.
Identifiers: ClinVar variation 3033476 (VCV003033476.2), dbSNP rs201691726, ClinGen allele CA5077978.